The following is an entry in ClinVar:

ClinVar aggregate classification (germline): Uncertain significance (1 of 4 stars; one submission).

Conditions:
Cardiovascular phenotype. Identifiers: MedGen CN230736.

gnomAD v4.1: 16 of 1,606,068 alleles (0.001%); highest among the groups gnomAD compares: Non-Finnish European, 0.0013%; no homozygotes.

Submission:

Ambry Genetics
Classification: Uncertain significance for Cardiovascular phenotype. Last evaluated: 2024-12-05. Review status: criteria provided, single submitter. Criteria: Ambry Variant Classification Scheme 2023. Collection method: clinical testing. Allele origin: germline.
Comment: The p.N2321S variant (also known as c.6962A>G), located in coding exon 31 of the AKAP9 gene, results from an A to G substitution at nucleotide position 6962. The asparagine at codon 2321 is replaced by serine, an amino acid with highly similar properties. This amino acid position is conserved. In addition, this alteration is predicted to be tolerated by in silico analysis. Based on the available evidence, the clinical significance of this variant remains unclear.

NM_005751.5(AKAP9):c.6962A>G (p.Asn2321Ser)

Gene: AKAP9 (A-kinase anchoring protein 9; plus strand). Cytogenetic location: 7q21.2.
Variant type: single nucleotide variant.
Coding change: c.6962A>G on transcript NM_005751.5 (MANE Select); coding-DNA position 6962, A replaced by G.
Protein change: p.Asn2321Ser; replaces asparagine 2321 with serine.
Molecular consequence: missense variant.
Genome position (GRCh38, 1-based): chr7:92,079,095, A>G. VCF-style: chr7-92079095-A-G. GRCh37 (hg19) VCF-style: chr7-91708409-A-G.
Other names: c.1607A>G, p.Asn536Ser (NM_001379277.1); c.6938A>G, p.Asn2313Ser (NM_147185.3); short protein forms N536S, N2313S, N2321S.
Identifiers: ClinVar variation 3517409 (VCV003517409.1).